The following is an entry in ClinVar:

NM_033337.3(CAV3):c.442C>T (p.Arg148Trp)

Genes: CAV3 (caveolin 3; plus strand), OXTR (oxytocin receptor; minus strand). Cytogenetic location: 3p25.3.
Variant type: single nucleotide variant.
Coding change: c.442C>T on transcript NM_033337.3 (MANE Select); coding-DNA position 442, C replaced by T.
Protein change: p.Arg148Trp; replaces arginine 148 with tryptophan.
Molecular consequence: missense variant.
Genome position (GRCh38, 1-based): chr3:8,745,853, C>T. VCF-style: chr3-8745853-C-T. GRCh37 (hg19) VCF-style: chr3-8787539-C-T.
Other names: p.R148W:CGG>TGG; p.Arg148Trp; c.442C>T, p.Arg148Trp (NM_001234.5); short protein forms R148W.
Identifiers: ClinVar variation 180801 (VCV000180801.21), dbSNP rs730880422, ClinGen allele CA295950.

ClinVar aggregate classification (germline): Conflicting classifications of pathogenicity. Review status: criteria provided, conflicting classifications (1 of 4 stars). 9 submissions from 9 submitters: Likely pathogenic (1); Uncertain significance (8). Last evaluated 2025-11-12.

Conditions:
Long QT syndrome (LQTS). Identifiers: MedGen C0023976, MeSH D008133, MONDO:0002442. Disease mechanism: loss of function. Inheritance: Various modes of inheritance.
Cardiomyopathy (CMYO). Also called: Cardiomyopathies. Identifiers: Orphanet 167848, MedGen C0878544, MONDO:0004994, HP:0001638. Inheritance: Various modes of inheritance.
Caveolinopathy. Identifiers: Orphanet 207078, MedGen C5679790, MONDO:0016146.

Allele frequency attached by ClinVar (database versions not stated): gnomAD exomes 0.00002.
gnomAD v4.1: 26 of 1,611,818 alleles (0.0016%); highest among the groups gnomAD compares: East Asian, 0.0045%; no homozygotes.

Submissions (9):

Labcorp Genetics (formerly Invitae), Labcorp
Classification: Uncertain significance for Long QT syndrome. Last evaluated: 2025-11-12. Review status: criteria provided, single submitter. Criteria: Invitae Variant Classification Sherloc (09022015). Collection method: clinical testing. Allele origin: germline.
Comment: This sequence change replaces arginine, which is basic and polar, with tryptophan, which is neutral and slightly polar, at codon 148 of the CAV3 protein (p.Arg148Trp). The frequency data for this variant in the population databases is considered unreliable, as metrics indicate poor data quality at this position in the gnomAD database. This missense change has been observed in individual(s) with atrial fibrillation (PMID: 31638414). ClinVar contains an entry for this variant (Variation ID: 180801). An algorithm developed to predict the effect of missense changes on protein structure and function (PolyPhen-2) suggests that this variant is likely to be disruptive. In summary, the available evidence is currently insufficient to determine the role of this variant in disease. Therefore, it has been classified as a Variant of Uncertain Significance.

Revvity Omics, Revvity
Classification: Uncertain significance. Last evaluated: 2024-10-28. Review status: criteria provided, single submitter. Criteria: ACMG Guidelines, 2015. Collection method: clinical testing. Allele origin: germline.

Blueprint Genetics
Classification: Uncertain significance. Last evaluated: 2024-03-25. Review status: criteria provided, single submitter. Criteria: ACMG Guidelines, 2015. Collection method: clinical testing. Allele origin: germline.

Mayo Clinic Laboratories, Mayo Clinic
Classification: Uncertain significance. Last evaluated: 2021-06-02. Review status: criteria provided, single submitter. Criteria: ACMG Guidelines, 2015. Collection method: clinical testing. Allele origin: germline.

Women's Health and Genetics/Laboratory Corporation of America, LabCorp
Classification: Uncertain significance. Last evaluated: 2020-11-02. Review status: criteria provided, single submitter. Criteria: LabCorp Variant Classification Summary - May 2015. Collection method: clinical testing. Allele origin: germline.
Comment: Variant summary: CAV3 c.442C>T (p.Arg148Trp) results in a non-conservative amino acid change in the encoded protein sequence. Five of five in-silico tools predict a damaging effect of the variant on protein function. The variant allele was found at a frequency of 1.6e-05 in 249156 control chromosomes. The available data on variant occurrences in the general population are insufficient to allow any conclusion about variant significance. c.442C>T has been reported in the literature in at least one individual affected with atrial fibrillation (e.g. Goodyer_2019). This report does not provide unequivocal conclusions about association of the variant with Long QT Syndrome. To our knowledge, no experimental evidence demonstrating an impact on protein function has been reported. Two other clinical diagnostic laboratories have submitted clinical-significance assessments for this variant to ClinVar after 2014 without evidence for independent evaluation. Both laboratories cited the variant as uncertain significance. Based on the evidence outlined above, the variant was classified as uncertain significance.

CHEO Genetics Diagnostic Laboratory, Children's Hospital of Eastern Ontario
Classification: Uncertain significance for Cardiomyopathy. Last evaluated: 2019-02-26. Review status: criteria provided, single submitter. Criteria: ACMG Guidelines, 2015. Collection method: clinical testing. Allele origin: germline.

Illumina Laboratory Services, Illumina
Classification: Uncertain significance for Caveolinopathy. Last evaluated: 2017-04-28. Review status: criteria provided, single submitter. Criteria: ICSL Variant Classification Criteria 13 December 2019. Collection method: clinical testing. Allele origin: germline.

GeneDx
Classification: Likely pathogenic. Last evaluated: 2014-06-25. Review status: criteria provided, single submitter. Criteria: GeneDx Variant Classification (06012015). Collection method: clinical testing. Allele origin: germline. Affected: yes.
Comment: This variant is denoted p.Arg148Trp (CGG>TGG): c.442 C>T in exon 2 of the CAV3 gene (NM_033337.2). The R148W variant has not been published as a mutation, nor has it been reported as a benign polymorphism to our knowledge. The R148W variant was not observed in approximately 6500 individuals of European and African American ancestry in the NHLBI Exome Sequencing Project, indicating it is not a common benign variant in these populations. The R148W variant is a non-conservative amino acid substitution, which is likely to impact secondary protein structure as these residues differ in polarity, charge, size and/or other properties. This substitution occurs at a position that is conserved across species. In silico analysis predicts this variant is probably damaging to the protein structure/function. Missense mutations in nearby residues (S141R) have been reported in association with LQTS, supporting the functional importance of this region of the protein. Therefore, this variant is a strong candidate for a pathogenic mutation, however the possibility that it is a benign variant cannot be excluded. The variant is found in ARRHYTHMIA panel(s).

Stanford Center for Inherited Cardiovascular Disease, Stanford University
Classification: Uncertain significance. Last evaluated: 2012-03-28. Review status: criteria provided, single submitter. Criteria: ACMG Guidelines, 2015. Collection method: provider interpretation. Allele origin: germline.

Literature cited by the submitters: PubMed 31638414 (cited by Labcorp Genetics (formerly Invitae), Labcorp and Women's Health and Genetics/Laboratory Corporation of America, LabCorp).